The following is an entry in ClinVar:

NM_003242.6(TGFBR2):c.1525-3C>T

Gene: TGFBR2 (transforming growth factor beta receptor 2; plus strand). Cytogenetic location: 3p24.1.
Variant type: single nucleotide variant.
Coding change: c.1525-3C>T on transcript NM_003242.6 (MANE Select); 3 bases into the intron before coding-DNA position 1525, C replaced by T.
Molecular consequence: intron variant.
Genome position (GRCh38, 1-based): chr3:30,691,417, C>T. VCF-style: chr3-30691417-C-T. GRCh37 (hg19) VCF-style: chr3-30732909-C-T.
Other names: c.1420-3C>T (NM_001407135.1, NM_001407134.1, NM_001407132.1 and 2 more transcripts); c.1633-3C>T (NM_001407127.1); c.1528-3C>T (NM_001407129.1); c.1708-3C>T (NM_001407126.1); c.1600-3C>T (NM_001024847.3); c.655-3C>T (NM_001407139.1); c.1240-3C>T (NM_001407137.1); c.1522-3C>T (NM_001407130.1); and 2 more.
Identifiers: ClinVar variation 1064392 (VCV001064392.4), dbSNP rs774254584, ClinGen allele CA046927.

ClinVar aggregate classification (germline): Uncertain significance (1 of 4 stars; one submission).

Conditions:
Familial thoracic aortic aneurysm and aortic dissection (TAAD). Also called: Thoracic aortic aneurysms and dissections. Identifiers: Orphanet 91387, MedGen C4707243, MONDO:0019625.

Allele frequency attached by ClinVar (database versions not stated): gnomAD exomes 0.00001; ExAC 0.00002.
gnomAD v4.1: 3 of 1,613,964 alleles (0.00019%); highest among the groups gnomAD compares: South Asian, 0.0033%; no homozygotes.

Submission:

Labcorp Genetics (formerly Invitae), Labcorp
Classification: Uncertain significance for Familial thoracic aortic aneurysm and aortic dissection. Last evaluated: 2025-11-01. Review status: criteria provided, single submitter. Criteria: Invitae Variant Classification Sherloc (09022015). Collection method: clinical testing. Allele origin: germline.
Comment: This sequence change falls in intron 6 of the TGFBR2 gene. It does not directly change the encoded amino acid sequence of the TGFBR2 protein. It affects a nucleotide within the consensus splice site. This variant is present in population databases (rs774254584, gnomAD 0.006%). This variant has not been reported in the literature in individuals affected with TGFBR2-related conditions. ClinVar contains an entry for this variant (Variation ID: 1064392). Variants that disrupt the consensus splice site are a relatively common cause of aberrant splicing (PMID: 17576681, 9536098). Algorithms developed to predict the effect of sequence changes on RNA splicing suggest that this variant is not likely to affect RNA splicing. In summary, the available evidence is currently insufficient to determine the role of this variant in disease. Therefore, it has been classified as a Variant of Uncertain Significance.

Literature cited by the submitters: PubMed 17576681; PubMed 9536098.